The following is an entry in ClinVar:

NM_001130009.3(GEN1):c.764C>G (p.Thr255Ser)

Gene: GEN1 (GEN1 Holliday junction 5' flap endonuclease; plus strand). Cytogenetic location: 2p24.2.
Variant type: single nucleotide variant.
Coding change: c.764C>G on transcript NM_001130009.3 (MANE Select); coding-DNA position 764, C replaced by G.
Protein change: p.Thr255Ser; replaces threonine 255 with serine.
Molecular consequence: missense variant.
Genome position (GRCh38, 1-based): chr2:17,771,249, C>G. VCF-style: chr2-17771249-C-G. GRCh37 (hg19) VCF-style: chr2-17952516-C-G.
Other names: c.764C>G, p.Thr255Ser (NM_182625.5); short protein forms T255S.
Identifiers: ClinVar variation 3519773 (VCV003519773.1).

ClinVar aggregate classification (germline): Uncertain significance (1 of 4 stars; one submission).

gnomAD v4.1: 2 of 1,611,336 alleles (0.00012%); highest among the groups gnomAD compares: East Asian, 0.0022%; no homozygotes.

Submission:

Ambry Genetics
Classification: Uncertain significance. Last evaluated: 2024-12-08. Review status: criteria provided, single submitter. Criteria: Ambry Variant Classification Scheme 2023. Collection method: clinical testing. Allele origin: germline.
Comment: The p.T255S variant (also known as c.764C>G), located in coding exon 6 of the GEN1 gene, results from a C to G substitution at nucleotide position 764. The threonine at codon 255 is replaced by serine, an amino acid with similar properties. This amino acid position is conserved. In addition, this alteration is predicted to be tolerated by in silico analysis. Based on the available evidence, the clinical significance of this variant remains unclear.